The following is an entry in ClinVar:

NM_014915.3(ANKRD26):c.4972A>G (p.Lys1658Glu)

Gene: ANKRD26 (ankyrin repeat domain 26; minus strand). Cytogenetic location: 10p12.1.
Variant type: single nucleotide variant.
Coding change: c.4972A>G on transcript NM_014915.3 (MANE Select); coding-DNA position 4972, A replaced by G.
Protein change: p.Lys1658Glu; replaces lysine 1658 with glutamic acid.
Molecular consequence: missense variant.
Genome position (GRCh38, 1-based): chr10:27,006,944, T>C on the plus strand (A>G on the coding strand, the complement: ANKRD26 is on the minus strand). VCF-style: chr10-27006944-T-C. GRCh37 (hg19) VCF-style: chr10-27295873-T-C.
Other names: c.4969A>G, p.Lys1657Glu (NM_001256053.2); short protein forms K1657E, K1658E.
Identifiers: ClinVar variation 4842358 (VCV004842358.1).

ClinVar aggregate classification (germline): Uncertain significance (1 of 4 stars; one submission).

Conditions:
Inborn genetic diseases. Identifiers: MedGen C0950123, MeSH D030342.

gnomAD v4.1: 2 of 1,610,414 alleles (0.00012%); highest among the groups gnomAD compares: Admixed American, 0.0033%; no homozygotes.

Submission:

Ambry Genetics
Classification: Uncertain significance for Inborn genetic diseases. Last evaluated: 2026-01-03. Review status: criteria provided, single submitter. Criteria: Ambry Variant Classification Scheme 2023. Collection method: clinical testing. Allele origin: germline.
Comment: The p.K1658E variant (also known as c.4972A>G), located in coding exon 33 of the ANKRD26 gene, results from an A to G substitution at nucleotide position 4972. The lysine at codon 1658 is replaced by glutamic acid, an amino acid with similar properties. This amino acid position is conserved. In addition, this alteration is predicted to be tolerated by in silico analysis. Based on the available evidence, the clinical significance of this variant remains unclear.